The following is an entry in ClinVar:

ClinVar aggregate classification (germline): Conflicting classifications of pathogenicity. Review status: criteria provided, conflicting classifications (1 of 4 stars). 7 submissions from 7 submitters: Uncertain significance (5); Likely benign (2). Last evaluated 2025-10-14.

Conditions:
Hereditary breast ovarian cancer syndrome. Also called: BRCA1- and BRCA2-Associated Hereditary Breast and Ovarian Cancer; Hereditary breast and ovarian cancer; Hereditary breast and/or ovarian cancer syndrome; Hereditary breast and ovarian cancer syndrome; Hereditary breast and ovarian cancer syndrome (HBOC); Breast and ovarian cancer. Identifiers: Orphanet 145, MedGen C0677776, MeSH D061325, MONDO:0003582. Disease mechanism: loss of function.
BRCA2-related cancer predisposition. Identifiers: MedGen CN377758, MONDO:0700269.
Hereditary cancer-predisposing syndrome. Also called: Neoplastic Syndromes, Hereditary; Hereditary Cancer Syndrome; Tumor predisposition; Hereditary neoplastic syndrome. Identifiers: Orphanet 140162, MedGen C0027672, MeSH D009386, MONDO:0015356.

Allele frequency attached by ClinVar (database versions not stated): TOPMed below 0.00001; gnomAD exomes 0.00001.
gnomAD v4.1: 11 of 1,614,040 alleles (0.00068%); highest among the groups gnomAD compares: Non-Finnish European, 0.00093%; no homozygotes.

Submissions (7):

Labcorp Genetics (formerly Invitae), Labcorp
Classification: Uncertain significance for Hereditary breast ovarian cancer syndrome. Last evaluated: 2025-10-14. Review status: criteria provided, single submitter. Criteria: Invitae Variant Classification Sherloc (09022015). Collection method: clinical testing. Allele origin: germline.
Comment: This sequence change replaces alanine, which is neutral and non-polar, with threonine, which is neutral and polar, at codon 706 of the BRCA2 protein (p.Ala706Thr). This variant is present in population databases (no rsID available, gnomAD 0.002%). This variant has not been reported in the literature in individuals affected with BRCA2-related conditions. ClinVar contains an entry for this variant (Variation ID: 574092). Invitae Evidence Modeling of protein sequence and biophysical properties (such as structural, functional, and spatial information, amino acid conservation, physicochemical variation, residue mobility, and thermodynamic stability) indicates that this missense variant is not expected to disrupt BRCA2 protein function with a negative predictive value of 95%. In summary, the available evidence is currently insufficient to determine the role of this variant in disease. Therefore, it has been classified as a Variant of Uncertain Significance.

All of Us Research Program, National Institutes of Health
Classification: Uncertain significance for BRCA2-related cancer predisposition. Last evaluated: 2024-06-17. Review status: criteria provided, single submitter. Criteria: ACMG Guidelines, 2015. Collection method: clinical testing. Allele origin: germline. Inheritance: Autosomal dominant inheritance. Observed: 1 variant allele, 1 heterozygote.
Comment: This missense variant replaces alanine with threonine at codon 706 of the BRCA2 protein. Computational prediction suggests that this variant may not impact protein structure and function. To our knowledge, functional studies have not been reported for this variant. This variant has not been reported in individuals affected with BRCA2-related disorders in the literature. This variant has been identified in 2/250806 chromosomes in the general population by the Genome Aggregation Database (gnomAD). The available evidence is insufficient to determine the role of this variant in disease conclusively. Therefore, this variant is classified as a Variant of Uncertain Significance.

This study involves interpretation of variants in research participants for the purpose of population health screening. Participant phenotype was not available at the time of variant classification. Additional details can be found in publication PMID: 35346344, PMCID: PMC8962531

Color Diagnostics, LLC DBA Color Health
Classification: Uncertain significance for Hereditary cancer-predisposing syndrome. Last evaluated: 2024-06-05. Review status: criteria provided, single submitter. Criteria: ACMG Guidelines, 2015. Collection method: clinical testing. Allele origin: germline.
Comment: This missense variant replaces alanine with threonine at codon 706 of the BRCA2 protein. Computational prediction suggests that this variant may not impact protein structure and function. To our knowledge, functional studies have not been reported for this variant. This variant has not been reported in individuals affected with BRCA2-related disorders in the literature. This variant has been identified in 2/250806 chromosomes in the general population by the Genome Aggregation Database (gnomAD). The available evidence is insufficient to determine the role of this variant in disease conclusively. Therefore, this variant is classified as a Variant of Uncertain Significance.

Quest Diagnostics Nichols Institute San Juan Capistrano
Classification: Uncertain significance. Last evaluated: 2024-04-09. Review status: criteria provided, single submitter. Criteria: Quest Diagnostics criteria. Collection method: clinical testing. Allele origin: unknown.
Comment: The BRCA2 c.2116G>A (p.Ala706Thr) variant has been reported in the published literature in a reportedly healthy individual (PMID: 29641532 (2018)). This variant has also been reported to be located in a region of the BRCA2 gene that is tolerant to missense sequence changes (PMID: 31911673 (2020)). The frequency of this variant in the general population, 0.000008 (2/250806 chromosomes (Genome Aggregation Database)), is uninformative in the assessment of its pathogenicity. Analysis of this variant using bioinformatics tools for the prediction of the effect of amino acid changes on protein structure and function yielded predictions that this variant is benign. Based on the available information, we are unable to determine the clinical significance of this variant.

University of Washington Department of Laboratory Medicine, University of Washington
Classification: Likely benign for Hereditary cancer-predisposing syndrome. Last evaluated: 2023-03-23. Review status: criteria provided, single submitter. Criteria: Dines et al. (Genet Med. 2020). Collection method: curation. Allele origin: germline.
Comment: Missense variant in a coldspot region where missense variants are very unlikely to be pathogenic (PMID:31911673).

BRCA2 exon 11 coldspot. Reclassification based on statistical prior probability.

GeneDx
Classification: Uncertain significance. Last evaluated: 2022-07-06. Review status: criteria provided, single submitter. Criteria: GeneDx Variant Classification Process June 2021. Collection method: clinical testing. Allele origin: germline. Affected: yes.
Comment: Not observed at significant frequency in large population cohorts (gnomAD); In silico analysis supports that this missense variant does not alter protein structure/function; Has not been previously published as pathogenic or benign to our knowledge; Also known as 2344G>A

Ambry Genetics
Classification: Likely benign for Hereditary cancer-predisposing syndrome. Last evaluated: 2020-12-30. Review status: criteria provided, single submitter. Criteria: Ambry Variant Classification Scheme 2023. Collection method: clinical testing. Allele origin: germline.

Literature cited by the submitters: PubMed 29641532 (cited by Quest Diagnostics Nichols Institute San Juan Capistrano and Ambry Genetics); PubMed 31911673 (cited by Quest Diagnostics Nichols Institute San Juan Capistrano).

NM_000059.4(BRCA2):c.2116G>A (p.Ala706Thr)

Gene: BRCA2 (BRCA2 DNA repair associated; plus strand). Cytogenetic location: 13q13.1.
Variant type: single nucleotide variant.
Coding change: c.2116G>A on transcript NM_000059.4 (MANE Select); coding-DNA position 2116, G replaced by A.
Protein change: p.Ala706Thr; replaces alanine 706 with threonine.
Molecular consequence: missense variant.
Genome position (GRCh38, 1-based): chr13:32,336,471, G>A. VCF-style: chr13-32336471-G-A. GRCh37 (hg19) VCF-style: chr13-32910608-G-A.
Other names: short protein forms A706T.
Identifiers: ClinVar variation 574092 (VCV000574092.16), dbSNP rs1453451895, ClinGen allele CA387769999.